The following is an entry in ClinVar:

ClinVar aggregate classification (germline): Uncertain significance (1 of 4 stars; one submission).

Conditions:
Cardiovascular phenotype. Identifiers: MedGen CN230736.

Submission:

Ambry Genetics
Classification: Uncertain significance for Cardiovascular phenotype. Last evaluated: 2025-05-03. Review status: criteria provided, single submitter. Criteria: Ambry Variant Classification Scheme 2023. Collection method: clinical testing. Allele origin: germline.
Comment: The p.K419N variant (also known as c.1257A>C), located in coding exon 12 of the ANK2 gene, results from an A to C substitution at nucleotide position 1257. The lysine at codon 419 is replaced by asparagine, an amino acid with similar properties. This amino acid position is conserved. In addition, this alteration is predicted to be tolerated by in silico analysis. Based on the available evidence, the clinical significance of this variant remains unclear.

NM_001148.6(ANK2):c.1257A>C (p.Lys419Asn)

Gene: ANK2 (ankyrin 2; plus strand). Cytogenetic location: 4q26.
Variant type: single nucleotide variant.
Coding change: c.1257A>C on transcript NM_001148.6 (MANE Select); coding-DNA position 1257, A replaced by C.
Protein change: p.Lys419Asn; replaces lysine 419 with asparagine.
Molecular consequence: missense variant. On other transcripts: intron variant (5).
Genome position (GRCh38, 1-based): chr4:113,258,118, A>C. VCF-style: chr4-113258118-A-C. GRCh37 (hg19) VCF-style: chr4-114179274-A-C.
Other names: c.1194A>C, p.Lys398Asn (NM_001127493.3, NM_001354239.2, NM_001354243.2 and 14 more transcripts); c.1257A>C, p.Lys419Asn (NM_001354225.2, NM_001354228.2, NM_001354232.2 and 8 more transcripts); c.1302A>C, p.Lys434Asn (NM_001354230.2, NM_001354231.2, NM_001354237.2 and 5 more transcripts); c.1170A>C, p.Lys390Asn (NM_001354249.2, NM_001354260.2, NM_001354264.2 and 13 more transcripts); c.1215A>C, p.Lys405Asn (NM_001354261.2, NM_001386147.1, NM_001386160.1); c.1245A>C, p.Lys415Asn (NM_001386148.2, NM_001386186.2); c.1308A>C, p.Lys436Asn (NM_001386174.1); c.1284A>C, p.Lys428Asn (NM_001386175.1); and 4 more; short protein forms K415N, K419N, K428N, K398N, K407N, K436N, K390N, K405N.
Identifiers: ClinVar variation 4051058 (VCV004051058.1).